The following is an entry in ClinVar:

ClinVar aggregate classification (germline): Uncertain significance. Review status: criteria provided, multiple submitters, no conflicts (2 of 4 stars). 2 submissions from 2 submitters: Uncertain significance (2). Last evaluated 2025-06-27.

Conditions:
Hypohidrotic X-linked ectodermal dysplasia (XHED). Also called: ECTODERMAL DYSPLASIA 1; Ectodermal Dysplasia 1, Anhidrotic; ECTODERMAL DYSPLASIA, HYPOHIDROTIC, 1; CST SYNDROME; Anhidrotic ectodermal dysplasia X-linked; Christ Siemens Touraine syndrome. Identifiers: Orphanet 181, Orphanet 238468, MedGen C0162359, MONDO:0010585, OMIM 305100.

Submissions (2):

Labcorp Genetics (formerly Invitae), Labcorp
Classification: Uncertain significance for Hypohidrotic X-linked ectodermal dysplasia. Last evaluated: 2025-06-27. Review status: criteria provided, single submitter. Criteria: Invitae Variant Classification Sherloc (09022015). Collection method: clinical testing. Allele origin: germline.
Comment: This sequence change replaces valine, which is neutral and non-polar, with alanine, which is neutral and non-polar, at codon 362 of the EDA protein (p.Val362Ala). This variant is not present in population databases (gnomAD no frequency). This variant has not been reported in the literature in individuals affected with EDA-related conditions. Invitae Evidence Modeling of protein sequence and biophysical properties (such as structural, functional, and spatial information, amino acid conservation, physicochemical variation, residue mobility, and thermodynamic stability) indicates that this missense variant is not expected to disrupt EDA protein function with a negative predictive value of 80%. In summary, the available evidence is currently insufficient to determine the role of this variant in disease. Therefore, it has been classified as a Variant of Uncertain Significance.

Blueprint Genetics
Classification: Uncertain significance. Last evaluated: 2019-03-07. Review status: criteria provided, single submitter. Criteria: ACMG Guidelines, 2015. Collection method: clinical testing. Allele origin: germline.

NM_001399.5(EDA):c.1085T>C (p.Val362Ala)

Gene: EDA (ectodysplasin A; plus strand). Cytogenetic location: Xq13.1.
Variant type: single nucleotide variant.
Coding change: c.1085T>C on transcript NM_001399.5 (MANE Select); coding-DNA position 1085, T replaced by C.
Protein change: p.Val362Ala; replaces valine 362 with alanine.
Molecular consequence: missense variant.
Genome position (GRCh38, 1-based): chrX:70,035,518, T>C. VCF-style: chrX-70035518-T-C. GRCh37 (hg19) VCF-style: chrX-69255368-T-C.
Other names: c.1079T>C, p.Val360Ala (NM_001005609.2); c.1070T>C, p.Val357Ala (NM_001005612.3); c.1076T>C, p.Val359Ala (NM_001440761.1); c.1043T>C, p.Val348Ala (NM_001440762.1); short protein forms V348A, V357A, V360A, V359A, V362A.
Identifiers: ClinVar variation 4744845 (VCV004744845.2).
Genomic context (GRCh38, chrX:70,035,518, plus strand): 5'-ACTACAACACTTGCTATACCGCAGGCGTCTGCCTCCTCAAGGCCCGGCAGAAGATCGCCG[T>C]CAAGATGGTGCACGCTGACATCTCCATCAACATGAGCAAGCACACCACGTTCTTTGGGGC-3'
Protein context (NP_001390.1, residues 352-372): CLLKARQKIA[Val362Ala]KMVHADISIN